The following is an entry in ClinVar:

ClinVar aggregate classification (germline): Uncertain significance (1 of 4 stars; one submission).

Conditions:
Hereditary pheochromocytoma and paraganglioma. Also called: Hereditary Paraganglioma-Pheochromocytoma Syndromes; Hereditary paragangliomas and pheochromocytomas; Hereditary pheochromocytoma-paraganglioma. Identifiers: Orphanet 29072, MedGen C4274332, MONDO:0017366.

Allele frequency attached by ClinVar (database versions not stated): gnomAD below 0.00001 and 0.00001; gnomAD exomes below 0.00001; ExAC 0.00001.
gnomAD v4.1: 6 of 1,614,106 alleles (0.00037%); highest among the groups gnomAD compares: South Asian, 0.0055%; no homozygotes.

Submission:

Labcorp Genetics (formerly Invitae), Labcorp
Classification: Uncertain significance for Hereditary pheochromocytoma and paraganglioma. Last evaluated: 2023-08-10. Review status: criteria provided, single submitter. Criteria: Invitae Variant Classification Sherloc (09022015). Collection method: clinical testing. Allele origin: germline.
Comment: In summary, the available evidence is currently insufficient to determine the role of this variant in disease. Therefore, it has been classified as a Variant of Uncertain Significance. An algorithm developed to predict the effect of missense changes on protein structure and function (PolyPhen-2) suggests that this variant is likely to be disruptive. ClinVar contains an entry for this variant (Variation ID: 532512). This variant has not been reported in the literature in individuals affected with SDHAF2-related conditions. This variant is present in population databases (rs753711279, gnomAD 0.006%). This sequence change replaces leucine, which is neutral and non-polar, with proline, which is neutral and non-polar, at codon 153 of the SDHAF2 protein (p.Leu153Pro).

NM_017841.4(SDHAF2):c.458T>C (p.Leu153Pro)

Gene: SDHAF2 (succinate dehydrogenase complex assembly factor 2; plus strand). Cytogenetic location: 11q12.2.
Variant type: single nucleotide variant.
Coding change: c.458T>C on transcript NM_017841.4 (MANE Select); coding-DNA position 458, T replaced by C.
Protein change: p.Leu153Pro; replaces leucine 153 with proline.
Molecular consequence: missense variant.
Genome position (GRCh38, 1-based): chr11:61,446,028, T>C. VCF-style: chr11-61446028-T-C. GRCh37 (hg19) VCF-style: chr11-61213500-T-C.
Other names: short protein forms L153P.
Identifiers: ClinVar variation 532512 (VCV000532512.8), dbSNP rs753711279, ClinGen allele CA059364.